The following is an entry in ClinVar:

NM_174916.3(UBR1):c.5079_5088del (p.Asp1693fs)

Gene: UBR1 (ubiquitin protein ligase E3 component n-recognin 1; minus strand). Cytogenetic location: 15q15.2.
Variant type: Deletion.
Coding change: c.5079_5088del on transcript NM_174916.3 (MANE Select); coding-DNA positions 5079 to 5088, 10 bases deleted (TGAATATGGA; older notation c.5079_5088delTGAATATGGA).
Protein change: p.Asp1693fs; shifts the reading frame from aspartic acid 1693.
Molecular consequence: frameshift variant.
Genome position (GRCh38, 1-based): chr15:42,950,282-42,950,291, TCCATATTCA deleted on the plus strand (TGAATATGGA on the coding strand, the reverse complement: UBR1 is on the minus strand); deleting any 10 consecutive bases within chr15:42,950,282-42,950,295 gives the same sequence; the c. name uses the placement nearest the transcript's 3' end. VCF-style (leftmost placement, unchanged base first): chr15-42950281-CTCCATATTCA-C. GRCh37 (hg19) VCF-style: chr15-43242479-CTCCATATTCA-C.
Other names: short protein forms D1693fs.
Identifiers: ClinVar variation 3636812 (VCV003636812.2).

ClinVar aggregate classification (germline): Pathogenic (1 of 4 stars; one submission).

Submission:

Labcorp Genetics (formerly Invitae), Labcorp
Classification: Pathogenic. Last evaluated: 2024-02-03. Review status: criteria provided, single submitter. Criteria: Invitae Variant Classification Sherloc (09022015). Collection method: clinical testing. Allele origin: germline.
Comment: This sequence change creates a premature translational stop signal (p.Asp1693Glufs*7) in the UBR1 gene. While this is not anticipated to result in nonsense mediated decay, it is expected to disrupt the last 57 amino acid(s) of the UBR1 protein. This variant is not present in population databases (gnomAD no frequency). This variant has not been reported in the literature in individuals affected with UBR1-related conditions. This variant disrupts a region of the UBR1 protein in which other variant(s) (p.Arg1712Leufs*14) have been determined to be pathogenic (PMID: 24599544). This suggests that this is a clinically significant region of the protein, and that variants that disrupt it are likely to be disease-causing. For these reasons, this variant has been classified as Pathogenic.

Literature cited by the submitters: PubMed 24599544.